The following is an entry in ClinVar:

ClinVar aggregate classification (germline): Conflicting classifications of pathogenicity. Review status: criteria provided, conflicting classifications (1 of 4 stars). 4 submissions from 4 submitters: Uncertain significance (1); Likely benign (3). Last evaluated 2024-09-30.

Conditions:
Hereditary cancer-predisposing syndrome. Also called: Neoplastic Syndromes, Hereditary; Tumor predisposition; Hereditary Cancer Syndrome; Hereditary neoplastic syndrome. Identifiers: Orphanet 140162, MedGen C0027672, MeSH D009386, MONDO:0015356.
Hereditary breast ovarian cancer syndrome. Also called: Breast and ovarian cancer; BRCA1- and BRCA2-Associated Hereditary Breast and Ovarian Cancer; Hereditary breast and ovarian cancer; Hereditary breast and/or ovarian cancer syndrome; Hereditary breast and ovarian cancer syndrome; Hereditary breast and ovarian cancer syndrome (HBOC). Identifiers: Orphanet 145, MedGen C0677776, MeSH D061325, MONDO:0003582. Disease mechanism: loss of function.

Submissions (4):

Labcorp Genetics (formerly Invitae), Labcorp
Classification: Likely benign for Hereditary breast ovarian cancer syndrome. Last evaluated: 2024-09-30. Review status: criteria provided, single submitter. Criteria: Invitae Variant Classification Sherloc (09022015). Collection method: clinical testing. Allele origin: germline.

Color Diagnostics, LLC DBA Color Health
Classification: Uncertain significance for Hereditary cancer-predisposing syndrome. Last evaluated: 2024-03-06. Review status: criteria provided, single submitter. Criteria: ACMG Guidelines, 2015. Collection method: clinical testing. Allele origin: germline.
Comment: This missense variant replaces threonine with serine at codon 2026 of the BRCA2 protein. Computational prediction suggests that this variant may not impact protein structure and function (internally defined REVEL score threshold <= 0.5, PMID: 27666373). To our knowledge, functional studies have not been reported for this variant. This variant has not been reported in individuals affected with hereditary cancer in the literature. This variant has not been identified in the general population by the Genome Aggregation Database (gnomAD). The available evidence is insufficient to determine the role of this variant in disease conclusively. Therefore, this variant is classified as a Variant of Uncertain Significance.

Ambry Genetics
Classification: Likely benign for Hereditary cancer-predisposing syndrome. Last evaluated: 2024-01-31. Review status: criteria provided, single submitter. Criteria: Ambry Variant Classification Scheme 2023. Collection method: clinical testing. Allele origin: germline.

University of Washington Department of Laboratory Medicine, University of Washington
Classification: Likely benign for Hereditary cancer-predisposing syndrome. Last evaluated: 2023-03-23. Review status: criteria provided, single submitter. Criteria: Dines et al. (Genet Med. 2020). Collection method: curation. Allele origin: germline.
Comment: Missense variant in a coldspot region where missense variants are very unlikely to be pathogenic (PMID:31911673).

BRCA2 exon 11 coldspot. Reclassification based on statistical prior probability.

NM_000059.4(BRCA2):c.6076A>T (p.Thr2026Ser)

Gene: BRCA2 (BRCA2 DNA repair associated; plus strand). Cytogenetic location: 13q13.1.
Variant type: single nucleotide variant.
Coding change: c.6076A>T on transcript NM_000059.4 (MANE Select); coding-DNA position 6076, A replaced by T.
Protein change: p.Thr2026Ser; replaces threonine 2026 with serine.
Molecular consequence: missense variant.
Genome position (GRCh38, 1-based): chr13:32,340,431, A>T. VCF-style: chr13-32340431-A-T. GRCh37 (hg19) VCF-style: chr13-32914568-A-T.
Other names: short protein forms T2026S.
Identifiers: ClinVar variation 651919 (VCV000651919.17), dbSNP rs587782249, ClinGen allele CA387787992.